The following is an entry in ClinVar:

ClinVar aggregate classification (germline): Benign/Likely benign. Review status: criteria provided, multiple submitters, no conflicts (2 of 4 stars). 3 submissions from 3 submitters: Benign (1); Likely benign (2). Last evaluated 2025-10-02.

Conditions:
COG8-congenital disorder of glycosylation. Also called: CDG IIh; COG8-CDG. Identifiers: Orphanet 95428, MedGen C1970021, MONDO:0012635, OMIM 611182.

Allele frequency attached by ClinVar (database versions not stated): gnomAD 0.00034; TOPMed 0.00068; 1000 Genomes Project 30x 0.00141; 1000 Genomes Project 0.00160.

Submissions (3):

Labcorp Genetics (formerly Invitae), Labcorp
Classification: Benign for COG8-congenital disorder of glycosylation. Last evaluated: 2025-10-02. Review status: criteria provided, single submitter. Criteria: Invitae Variant Classification Sherloc (09022015). Collection method: clinical testing. Allele origin: germline.

Illumina Laboratory Services, Illumina
Classification: Likely benign for COG8-congenital disorder of glycosylation. Last evaluated: 2018-01-13. Review status: criteria provided, single submitter. Criteria: ICSL Variant Classification Criteria 13 December 2019. Collection method: clinical testing. Allele origin: germline.
Comment: This variant was observed in the ICSL laboratory as part of a predisposition screen in an ostensibly healthy population. It had not been previously curated by ICSL or reported in the Human Gene Mutation Database (HGMD: prior to June 1st, 2018), and was therefore a candidate for classification through an automated scoring system. Utilizing variant allele frequency, disease prevalence and penetrance estimates, and inheritance mode, an automated score was calculated to assess if this variant is too frequent to cause the disease. Based on the score and internal cut-off values, a variant classified as likely benign is not then subjected to further curation. The score for this variant resulted in a classification of likely benign for this disease.

Breakthrough Genomics
Classification: Likely benign. Review status: criteria provided, single submitter. Criteria: ACMG Guidelines, 2015. Collection method: not provided. Allele origin: germline. Inheritance: Unknown mechanism. Affected: yes.

NM_032382.5(COG8):c.1724C>T (p.Thr575Ile)

Genes: COG8 (component of oligomeric golgi complex 8; minus strand), LOC130059304 (ATAC-STARR-seq lymphoblastoid silent region 7657; plus strand). Cytogenetic location: 16q22.1.
Variant type: single nucleotide variant.
Coding change: c.1724C>T on transcript NM_032382.5 (MANE Select); coding-DNA position 1724, C replaced by T.
Protein change: p.Thr575Ile; replaces threonine 575 with isoleucine.
Molecular consequence: missense variant.
Genome position (GRCh38, 1-based): chr16:69,330,954, G>A on the plus strand (C>T on the coding strand, the complement: COG8 is on the minus strand). VCF-style: chr16-69330954-G-A. GRCh37 (hg19) VCF-style: chr16-69364857-G-A.
Other names: short protein forms T575I.
Identifiers: ClinVar variation 698124 (VCV000698124.14), dbSNP rs201914539, ClinGen allele CA8133611.
Genomic context (GRCh38, chr16:69,330,954, plus strand): 5'-CAGGCTGGGCCCGCGGGCTCCAGGCGTGGCTCCTCGGCGGGAGGCTCTGGTGCTGGAGCT[G>A]TGAGCTCGGGCCCCAGCGCCTGGTCATCCAGGGTGAAAAGCGTCTCTCTCTTTGGCAGGA-3'
Protein context (NP_115758.3, residues 565-585): LDDQALGPEL[Thr575Ile]APAPEPPAEE